The following is an entry in ClinVar:

ClinVar aggregate classification (germline): Conflicting classifications of pathogenicity. Review status: criteria provided, conflicting classifications (1 of 4 stars). 3 submissions from 3 submitters: Uncertain significance (1); Likely benign (2). Last evaluated 2025-10-01.

Conditions:
Diencephalic-mesencephalic junction dysplasia syndrome 1 (DMJDS1). Also called: Microcephaly with spastic quadriplegia. Identifiers: MedGen C4538630, MONDO:0009625, OMIM 251280.

Allele frequency attached by ClinVar (database versions not stated): ExAC 0.00004; gnomAD 0.00004; gnomAD exomes 0.00004 and 0.00005; TOPMed 0.00005.
gnomAD v4.1: 73 of 1,614,086 alleles (0.0045%); highest among the groups gnomAD compares: Non-Finnish European, 0.0058%; no homozygotes.

Submissions (3):

CeGaT Center for Human Genetics Tuebingen
Classification: Likely benign. Last evaluated: 2025-10-01. Review status: criteria provided, single submitter. Criteria: CeGaT Center For Human Genetics Tuebingen Variant Classification Criteria Version 2. Collection method: clinical testing. Allele origin: germline. Affected: yes. Observed: 2 variant alleles.
Comment: PCDH12: BP4, BP7

Labcorp Genetics (formerly Invitae), Labcorp
Classification: Likely benign. Last evaluated: 2025-04-15. Review status: criteria provided, single submitter. Criteria: Invitae Variant Classification Sherloc (09022015). Collection method: clinical testing. Allele origin: germline.

Laboratorio de Genetica e Diagnostico Molecular, Hospital Israelita Albert Einstein
Classification: Uncertain significance for Diencephalic-mesencephalic junction dysplasia syndrome 1. Last evaluated: 2022-07-25. Review status: criteria provided, single submitter. Criteria: ACMG Guidelines, 2015. Collection method: clinical testing. Allele origin: germline. Affected: yes. Observed: 1 variant allele.
Comment: ACMG classification criteria: PM2 moderated

NM_016580.4(PCDH12):c.1758C>T (p.Gly586=)

Genes: PCDH12 (protocadherin 12; minus strand), RNF14 (ring finger protein 14; plus strand). Cytogenetic location: 5q31.3.
Variant type: single nucleotide variant.
Coding change: c.1758C>T on transcript NM_016580.4 (MANE Select); coding-DNA position 1758, C replaced by T.
Protein change: p.Gly586=; no amino-acid change (glycine 586 retained).
Molecular consequence: synonymous variant.
Genome position (GRCh38, 1-based): chr5:141,956,094, G>A on the plus strand (C>T on the coding strand, the complement: PCDH12 is on the minus strand). VCF-style: chr5-141956094-G-A. GRCh37 (hg19) VCF-style: chr5-141335659-G-A.
Identifiers: ClinVar variation 1441567 (VCV001441567.30), dbSNP rs751172816, ClinGen allele CA3484349.